The following is an entry in ClinVar:

ClinVar aggregate classification (germline): Pathogenic (1 of 4 stars; one submission).

Conditions:
Osteogenesis imperfecta type I (OI1). Also called: Lobstein disease; Classic Non-deforming Osteogenesis Imperfecta with Blue Sclerae; OI, TYPE I; OSTEOGENESIS IMPERFECTA TARDA; OSTEOGENESIS IMPERFECTA WITH BLUE SCLERAE; Osteogenesis imperfecta type 1. Identifiers: Orphanet 216796, Orphanet 666, MedGen C0023931, MONDO:0008146, OMIM 166200. Disease mechanism: loss of function.

Submission:

Labcorp Genetics (formerly Invitae), Labcorp
Classification: Pathogenic for Osteogenesis imperfecta type I. Last evaluated: 2023-12-09. Review status: criteria provided, single submitter. Criteria: Invitae Variant Classification Sherloc (09022015). Collection method: clinical testing. Allele origin: germline.
Comment: This sequence change creates a premature translational stop signal (p.Gly623Trpfs*11) in the COL1A1 gene. It is expected to result in an absent or disrupted protein product. Loss-of-function variants in COL1A1 are known to be pathogenic (PMID: 7942841, 9295084, 9443882). This variant is not present in population databases (gnomAD no frequency). This variant has not been reported in the literature in individuals affected with COL1A1-related conditions. ClinVar contains an entry for this variant (Variation ID: 1455462). For these reasons, this variant has been classified as Pathogenic.

Literature cited by the submitters: PubMed 7942841; PubMed 9295084; PubMed 9443882.

NM_000088.4(COL1A1):c.1865dup (p.Gly623fs)

Gene: COL1A1 (collagen type I alpha 1 chain; minus strand). Cytogenetic location: 17q21.33.
Variant type: Duplication.
Coding change: c.1865dup on transcript NM_000088.4 (MANE Select); coding-DNA position 1865, one base duplicated (C; older notation c.1865dupC).
Protein change: p.Gly623fs; shifts the reading frame from glycine 623.
Molecular consequence: frameshift variant.
Genome position (GRCh38, 1-based): chr17:50,192,807, G duplicated on the plus strand (C on the coding strand, the reverse complement: COL1A1 is on the minus strand); the first of 5 consecutive G bases (chr17:50,192,807-50,192,811); duplicating any one gives the same sequence. VCF-style (leftmost placement, unchanged base first): chr17-50192806-A-AG. GRCh37 (hg19) VCF-style: chr17-48270167-A-AG.
Other names: short protein forms G623fs.
Identifiers: ClinVar variation 1455462 (VCV001455462.6), dbSNP rs72651620, ClinGen allele CA2573154258.